The following is an entry in ClinVar:

ClinVar aggregate classification (germline): Benign/Likely benign. Review status: criteria provided, multiple submitters, no conflicts (2 of 4 stars). 6 submissions from 6 submitters: Benign (1); Likely benign (4). 1 of the submissions does not count toward it. Last evaluated 2026-01-21.

Conditions:
SAMD9-related disorder. Also called: SAMD9-related condition.
Inborn genetic diseases. Identifiers: MedGen C0950123, MeSH D030342.

Allele frequency attached by ClinVar (database versions not stated): ESP Exome Variant Server 0.00015; gnomAD exomes 0.00025 and 0.00027; ExAC 0.00027; TOPMed 0.00028; gnomAD 0.00031 and 0.00034.
gnomAD v4.1: 441 of 1,613,974 alleles (0.027%); highest among the groups gnomAD compares: Middle Eastern, 0.049%; no homozygotes.

Submissions (6):

Labcorp Genetics (formerly Invitae), Labcorp
Classification: Likely benign. Last evaluated: 2026-01-21. Review status: criteria provided, single submitter. Criteria: Invitae Variant Classification Sherloc (09022015). Collection method: clinical testing. Allele origin: germline.

CeGaT Center for Human Genetics Tuebingen
Classification: Likely benign. Last evaluated: 2025-10-01. Review status: criteria provided, single submitter. Criteria: CeGaT Center For Human Genetics Tuebingen Variant Classification Criteria Version 2. Collection method: clinical testing. Allele origin: germline. Affected: yes. Observed: 3 variant alleles.
Comment: SAMD9: BP4, BP7

Laboratory of Genetics, Children's Clinical University Hospital Latvia
Classification: Benign. Last evaluated: 2025-02-16. Review status: criteria provided, single submitter. Criteria: ACMG Guidelines, 2015. Collection method: clinical testing. Allele origin: germline. Affected: yes.

Ambry Genetics
Classification: Likely benign for Inborn genetic diseases. Last evaluated: 2024-11-18. Review status: criteria provided, single submitter. Criteria: Ambry Variant Classification Scheme 2023. Collection method: clinical testing. Allele origin: germline.

Blueprint Genetics
Classification: Likely benign. Last evaluated: 2024-10-03. Review status: criteria provided, single submitter. Criteria: ACMG Guidelines, 2015. Collection method: clinical testing. Allele origin: germline.

PreventionGenetics, part of Exact Sciences
Classification: Likely benign for SAMD9-related condition. Last evaluated: 2024-07-17. Review status: no assertion criteria provided. Collection method: clinical testing. Allele origin: germline. Not counted in ClinVar's aggregate classification.
Comment: This variant is classified as likely benign based on ACMG/AMP sequence variant interpretation guidelines (Richards et al. 2015 PMID: 25741868, with internal and published modifications).

NM_017654.4(SAMD9):c.396T>C (p.Ala132=)

Gene: SAMD9 (sterile alpha motif domain containing 9; minus strand). Cytogenetic location: 7q21.2.
Variant type: single nucleotide variant.
Coding change: c.396T>C on transcript NM_017654.4 (MANE Select); coding-DNA position 396, T replaced by C.
Protein change: p.Ala132=; no amino-acid change (alanine 132 retained).
Molecular consequence: synonymous variant.
Genome position (GRCh38, 1-based): chr7:93,105,702, A>G on the plus strand (T>C on the coding strand, the complement: SAMD9 is on the minus strand). VCF-style: chr7-93105702-A-G. GRCh37 (hg19) VCF-style: chr7-92735015-A-G.
Other names: c.396T>C, p.Ala132= (NM_001193307.2).
Identifiers: ClinVar variation 727654 (VCV000727654.35), dbSNP rs200661288, ClinGen allele CA4343150.